The following is an entry in ClinVar:

ClinVar aggregate classification (germline): Likely pathogenic (1 of 4 stars; one submission).

Conditions:
Neuromuscular disease caused by qualitative or quantitative defects of dystrophin. Also called: Qualitative or quantitative defects of dystrophin. Identifiers: Orphanet 207085, MedGen C5679787, MONDO:0016147.

Submission:

Women's Health and Genetics/Laboratory Corporation of America, LabCorp
Classification: Likely pathogenic for Neuromuscular disease caused by qualitative or quantitative defects of dystrophin. Last evaluated: 2023-11-09. Review status: criteria provided, single submitter. Criteria: LabCorp Variant Classification Summary - May 2015. Collection method: clinical testing. Allele origin: germline.
Comment: Variant summary: The variant involves the duplication of exon 46 in the DMD gene. A presumed nomenclature of c.(6614+1_6615-1)_(6762+1_6763-1)dup has been designated for the purposes of this classification. It is assumed to be a tandem duplication in direct orientation (Richardson_GIM_2018, Newman_AJHG_2015). This Copy Number Variant (CNV) is expected to alter the reading frame and predicted to result in a truncation or absence of the encoded protein due to nonsense mediated decay (NMD). The variant was absent in 15299 control chromosomes. The available data on variant occurrences in the general population are insufficient to allow any conclusion about variant significance. c.(6614+1_6615-1)_(6762+1_6763-1)dup has been reported in the literature in at least one individual affected with Dystrophinopathies (Li_2015). To our knowledge, no experimental evidence demonstrating an impact on protein function has been reported. The following publication have been ascertained in the context of this evaluation (PMID: 25612904). No submitters have cited clinical-significance assessments for this variant to ClinVar after 2014. Based on the evidence outlined above, the variant was classified as likely pathogenic.

Literature cited by the submitters: PubMed 25612904.

NC_000023.10:g.(31947863_31950196)_(31950345_31986455)dup

Gene: DMD (dystrophin; minus strand). Cytogenetic location: Xp21.1.
Variant type: Duplication.
Identifiers: ClinVar variation 2682425 (VCV002682425.1).